The following is an entry in ClinVar:

NM_139058.3(ARX):c.306GGC[18] (p.Ala108_Ala115dup)

Genes: ARX (aristaless related homeobox; minus strand), LOC109610631 (aristaless related homeobox polyalanine expansion region; plus strand). Cytogenetic location: Xp21.3.
Variant type: Microsatellite.
Coding change: c.306GGC[18] on transcript NM_139058.3 (MANE Select); 18 copies in a row of the 3-base unit GGC starting at c.306; the reference has ten copies in a row; eight copies, 24 bases duplicated.
Protein change: p.Ala108_Ala115dup.
Molecular consequence: inframe insertion.
Genome position (GRCh38, 1-based): chrX:25,013,660-25,013,683, GCCGCCGCCGCCGCCGCCGCCGCC duplicated on the plus strand (GGCGGCGGCGGCGGCGGCGGCGGC on the coding strand, the reverse complement: ARX is on the minus strand); duplicating any 24 consecutive bases within chrX:25,013,660-25,013,691 gives the same sequence; the position shown is the placement nearest the transcript's 3' end. VCF-style (leftmost placement, unchanged base first): chrX-25013659-T-TGCCGCCGCCGCCGCCGCCGCCGCC. GRCh37 (hg19) VCF-style: chrX-25031776-T-TGCCGCCGCCGCCGCCGCCGCCGCC.
Identifiers: ClinVar variation 210327 (VCV000210327.14), dbSNP rs387906492, ClinGen allele CA213320.
Genomic context (GRCh38, chrX:25,013,659, plus strand): 5'-GGTTGGCGGTGGCGGCGGAGGGGCCTCCCCGCGTGGACCCGCCGTGGCCGTGGCGGCCGC[T>TGCCGCCGCCGCCGCCGCCGCCGCC]GCCGCCGCCGCCGCCGCCGCCGCCGCCGCCGCTGCCGCACCCTGAAGGAGGCGGCCCCCG-3'

ClinVar aggregate classification (germline): Pathogenic. Review status: criteria provided, multiple submitters, no conflicts (2 of 4 stars). 2 submissions from 2 submitters: Pathogenic (2). Last evaluated 2024-02-23.

Conditions:
Developmental and epileptic encephalopathy, 1 (DEE1). Also called: INFANTILE SPASM SYNDROME, X-LINKED 1; Epileptic encephalopathy, early infantile, 1; X-linked infantile spasms; West's syndrome; Tonic spasms with clustering, arrest of psychomotor development and hypsarrhythmia on EEG; X-Linked Infantile Spasm Syndrome. Identifiers: MedGen C3463992, MONDO:0010632, OMIM 308350. Disease mechanism: loss of function.
Intellectual disability, X-linked, with or without seizures, ARX-related. Also called: MENTAL RETARDATION, X-LINKED 29; MENTAL RETARDATION, X-LINKED 32; MENTAL RETARDATION, X-LINKED 33; MENTAL RETARDATION, X-LINKED 38; MENTAL RETARDATION, X-LINKED 43; MENTAL RETARDATION, X-LINKED 76. Identifiers: Orphanet 777, MedGen C0796244, MONDO:0010317, OMIM 300419.
X-linked lissencephaly with abnormal genitalia. Identifiers: Orphanet 452, MedGen C1846171, MONDO:0010268, OMIM 300215.

Submissions (2):

Labcorp Genetics (formerly Invitae), Labcorp
Classification: Pathogenic for Developmental and epileptic encephalopathy, 1; Intellectual disability, X-linked, with or without seizures, ARX-related. Last evaluated: 2024-02-23. Review status: criteria provided, single submitter. Criteria: Invitae Variant Classification Sherloc (09022015). Collection method: clinical testing. Allele origin: germline.
Comment: This variant, c.312_335dup24, results in the insertion of 8 amino acid(s) of the ARX protein (p.Ala108_Ala115dup), but otherwise preserves the integrity of the reading frame. The frequency data for this variant in the population databases is considered unreliable, as metrics indicate insufficient coverage at this position in the gnomAD database. This variant has been observed in individual(s) with ARX-related conditions (PMID: 11889467, 17664401, 23246292). This variant is also known as c.333_335dup(GGC)8. ClinVar contains an entry for this variant (Variation ID: 210327). Algorithms developed to predict the effect of variants on protein structure and function are not available or were not evaluated for this variant. Experimental studies have shown that this variant affects ARX function (PMID: 15533998). For these reasons, this variant has been classified as Pathogenic.

Genetic Services Laboratory, University of Chicago
Classification: Pathogenic for Lissencephaly, X-linked 2. Last evaluated: 2014-11-06. Review status: criteria provided, single submitter. Criteria: ACMG Guidelines, 2015. Collection method: clinical testing. Allele origin: germline. Affected: yes.

Literature cited by the submitters: PubMed 11889467 (cited by Labcorp Genetics (formerly Invitae), Labcorp); PubMed 17664401 (cited by Labcorp Genetics (formerly Invitae), Labcorp); PubMed 23246292 (cited by Labcorp Genetics (formerly Invitae), Labcorp); PubMed 15533998 (cited by Labcorp Genetics (formerly Invitae), Labcorp).